The following is an entry in ClinVar:

NM_007262.5(PARK7):c.437T>G (p.Val146Gly)

Gene: PARK7 (Parkinsonism associated deglycase; plus strand). Cytogenetic location: 1p36.23.
Variant type: single nucleotide variant.
Coding change: c.437T>G on transcript NM_007262.5 (MANE Select); coding-DNA position 437, T replaced by G.
Protein change: p.Val146Gly; replaces valine 146 with glycine.
Molecular consequence: missense variant.
Genome position (GRCh38, 1-based): chr1:7,984,921, T>G. VCF-style: chr1-7984921-T-G. GRCh37 (hg19) VCF-style: chr1-8044981-T-G.
Other names: c.437T>G, p.Val146Gly (NM_001123377.2); short protein forms V146G.
Identifiers: ClinVar variation 1425067 (VCV001425067.6), dbSNP rs761919138, ClinGen allele CA569623.

ClinVar aggregate classification (germline): Uncertain significance (1 of 4 stars; one submission).

Conditions:
Autosomal recessive early-onset Parkinson disease 7. Identifiers: Orphanet 2828, MedGen C1853445, MONDO:0011658, OMIM 606324.

Allele frequency attached by ClinVar (database versions not stated): gnomAD 0.00001; gnomAD exomes 0.00001 and 0.00002; ExAC 0.00002; TOPMed 0.00002.
gnomAD v4.1: 15 of 1,614,084 alleles (0.00093%); highest among the groups gnomAD compares: African/African-American, 0.0027%; no homozygotes.

Submission:

Labcorp Genetics (formerly Invitae), Labcorp
Classification: Uncertain significance for Autosomal recessive early-onset Parkinson disease 7. Last evaluated: 2021-09-20. Review status: criteria provided, single submitter. Criteria: Invitae Variant Classification Sherloc (09022015). Collection method: clinical testing. Allele origin: germline.
Comment: In summary, the available evidence is currently insufficient to determine the role of this variant in disease. Therefore, it has been classified as a Variant of Uncertain Significance. Algorithms developed to predict the effect of missense changes on protein structure and function are either unavailable or do not agree on the potential impact of this missense change (SIFT: "Deleterious"; PolyPhen-2: "Probably Damaging"; Align-GVGD: "Class C0"). This variant has not been reported in the literature in individuals affected with PARK7-related conditions. This variant is present in population databases (rs761919138, ExAC 0.003%). This sequence change replaces valine with glycine at codon 146 of the PARK7 protein (p.Val146Gly). The valine residue is highly conserved and there is a moderate physicochemical difference between valine and glycine.